The following is an entry in ClinVar:

ClinVar aggregate classification (germline): Uncertain significance (1 of 4 stars; one submission).

Conditions:
Hereditary cancer-predisposing syndrome. Also called: Neoplastic Syndromes, Hereditary; Hereditary Cancer Syndrome; Hereditary neoplastic syndrome; Tumor predisposition. Identifiers: Orphanet 140162, MedGen C0027672, MeSH D009386, MONDO:0015356.

Submission:

Ambry Genetics
Classification: Uncertain significance for Hereditary cancer-predisposing syndrome. Last evaluated: 2023-05-02. Review status: criteria provided, single submitter. Criteria: Ambry Variant Classification Scheme 2023. Collection method: clinical testing. Allele origin: germline.
Comment: The p.G458C variant (also known as c.1372G>T), located in coding exon 11 of the POT1 gene, results from a G to T substitution at nucleotide position 1372. The glycine at codon 458 is replaced by cysteine, an amino acid with highly dissimilar properties. This amino acid position is conserved. In addition, this alteration is predicted to be deleterious by in silico analysis. Since supporting evidence is limited at this time, the clinical significance of this alteration remains unclear.

NM_015450.3(POT1):c.1372G>T (p.Gly458Cys)

Gene: POT1 (protection of telomeres 1; minus strand). Cytogenetic location: 7q31.33.
Variant type: single nucleotide variant.
Coding change: c.1372G>T on transcript NM_015450.3 (MANE Select); coding-DNA position 1372, G replaced by T.
Protein change: p.Gly458Cys; replaces glycine 458 with cysteine.
Molecular consequence: missense variant. On other transcripts: non-coding transcript variant (3).
Genome position (GRCh38, 1-based): chr7:124,835,412, C>A on the plus strand (G>T on the coding strand, the complement: POT1 is on the minus strand). VCF-style: chr7-124835412-C-A. GRCh37 (hg19) VCF-style: chr7-124475466-C-A.
Other names: c.979G>T, p.Gly327Cys (NM_001042594.2); short protein forms G458C, G327C.
Identifiers: ClinVar variation 2565253 (VCV002565253.2), dbSNP rs1794876267, ClinGen allele CA369066071.